The following is an entry in ClinVar:

ClinVar aggregate classification (germline): Uncertain significance (1 of 4 stars; one submission).

Conditions:
Generalized pustular psoriasis. Identifiers: Orphanet 247353, MedGen C0343055, MONDO:0100491.

Allele frequency attached by ClinVar (database versions not stated): gnomAD 0.00001.
gnomAD v4.1: 2 of 1,614,010 alleles (0.00012%); highest among the groups gnomAD compares: Admixed American, 0.0033%; no homozygotes.

Submission:

Labcorp Genetics (formerly Invitae), Labcorp
Classification: Uncertain significance for Generalized pustular psoriasis. Last evaluated: 2022-02-08. Review status: criteria provided, single submitter. Criteria: Invitae Variant Classification Sherloc (09022015). Collection method: clinical testing. Allele origin: germline.
Comment: This sequence change replaces asparagine, which is neutral and polar, with aspartic acid, which is acidic and polar, at codon 47 of the IL36RN protein (p.Asn47Asp). This variant is not present in population databases (gnomAD no frequency). This variant has not been reported in the literature in individuals affected with IL36RN-related conditions. ClinVar contains an entry for this variant (Variation ID: 1052879). Algorithms developed to predict the effect of missense changes on protein structure and function are either unavailable or do not agree on the potential impact of this missense change (SIFT: "Deleterious"; PolyPhen-2: "Probably Damaging"; Align-GVGD: "Class C0"). In summary, the available evidence is currently insufficient to determine the role of this variant in disease. Therefore, it has been classified as a Variant of Uncertain Significance.

NM_012275.3(IL36RN):c.139A>G (p.Asn47Asp)

Gene: IL36RN (interleukin 36 receptor antagonist; plus strand). Cytogenetic location: 2q14.1.
Variant type: single nucleotide variant.
Coding change: c.139A>G on transcript NM_012275.3 (MANE Select); coding-DNA position 139, A replaced by G.
Protein change: p.Asn47Asp; replaces asparagine 47 with aspartic acid.
Molecular consequence: missense variant.
Genome position (GRCh38, 1-based): chr2:113,062,147, A>G. VCF-style: chr2-113062147-A-G. GRCh37 (hg19) VCF-style: chr2-113819724-A-G.
Other names: c.139A>G, p.Asn47Asp (NM_173170.1); short protein forms N47D.
Identifiers: ClinVar variation 1052879 (VCV001052879.10), dbSNP rs1685654399, ClinGen allele CA348289981.